The following is an entry in ClinVar:

NM_000083.3(CLCN1):c.409T>C (p.Tyr137His)

Gene: CLCN1 (chloride voltage-gated channel 1; plus strand). Cytogenetic location: 7q34.
Variant type: single nucleotide variant.
Coding change: c.409T>C on transcript NM_000083.3 (MANE Select); coding-DNA position 409, T replaced by C.
Protein change: p.Tyr137His; replaces tyrosine 137 with histidine.
Molecular consequence: missense variant. On other transcripts: non-coding transcript variant (1).
Genome position (GRCh38, 1-based): chr7:143,320,771, T>C. VCF-style: chr7-143320771-T-C. GRCh37 (hg19) VCF-style: chr7-143017864-T-C.
Other names: short protein forms Y137H.
Identifiers: ClinVar variation 838094 (VCV000838094.9), dbSNP rs748639603, ClinGen allele CA369682701.

ClinVar aggregate classification (germline): Uncertain significance (1 of 4 stars; one submission).

Conditions:
Congenital myotonia, autosomal dominant form (THD). Also called: THOMSEN DISEASE; Myotonia congenita autosomal dominant. Identifiers: Orphanet 614, MedGen C2936781, MONDO:0008055, OMIM 160800.
Congenital myotonia, autosomal recessive form. Also called: Becker Generalized Myotonia; myotonia congenita, autosomal recessive; BECKER DISEASE. Identifiers: Orphanet 614, MedGen C0751360, MONDO:0009715, OMIM 255700.

gnomAD v4.1: 1 of 1,613,934 alleles (0.000062%); highest among the groups gnomAD compares: African/African-American, 0.0013%; no homozygotes.

Submission:

Labcorp Genetics (formerly Invitae), Labcorp
Classification: Uncertain significance for Congenital myotonia, autosomal recessive form; Congenital myotonia, autosomal dominant form. Last evaluated: 2019-02-26. Review status: criteria provided, single submitter. Criteria: Invitae Variant Classification Sherloc (09022015). Collection method: clinical testing. Allele origin: germline.
Comment: In summary, the available evidence is currently insufficient to determine the role of this variant in disease. Therefore, it has been classified as a Variant of Uncertain Significance. This variant disrupts the p.Tyr137 amino acid residue in CLCN1. Other variant(s) that disrupt this residue (p.Tyr137Asp) have been observed in individuals with CLCN1-related conditions (PMID: 26502825, 22094069), suggesting that it is a clinically significant residue. As a result, variants that disrupt this residue are likely to be causative of disease. Algorithms developed to predict the effect of missense changes on protein structure and function are either unavailable or do not agree on the potential impact of this missense change (SIFT: "Tolerated"; PolyPhen-2: "Probably Damaging"; Align-GVGD: "Class C0"). This variant has not been reported in the literature in individuals with CLCN1-related conditions. This variant is not present in population databases (ExAC no frequency). This sequence change replaces tyrosine with histidine at codon 137 of the CLCN1 protein (p.Tyr137His). The tyrosine residue is highly conserved and there is a moderate physicochemical difference between tyrosine and histidine.

Literature cited by the submitters: PubMed 26502825; PubMed 22094069.